The following is an entry in ClinVar:

ClinVar aggregate classification (germline): Uncertain significance. Review status: criteria provided, multiple submitters, no conflicts (2 of 4 stars). 3 submissions from 3 submitters: Uncertain significance (3). Last evaluated 2025-06-03.

Conditions:
Cardiomyopathy (CMYO). Also called: Cardiomyopathies. Identifiers: Orphanet 167848, MedGen C0878544, MONDO:0004994, HP:0001638. Inheritance: Various modes of inheritance.
Arrhythmogenic right ventricular dysplasia 10. Also called: Arrhythmogenic Right Ventricular Dysplasia/Cardiomyopathy10; ARRHYTHMOGENIC RIGHT VENTRICULAR DYSPLASIA, FAMILIAL, 10; Arrhythmogenic right ventricular dysplasia/cardiomyopathy, type 10. Identifiers: MedGen C1857777, MONDO:0012434, OMIM 610193.
Cardiovascular phenotype. Identifiers: MedGen CN230736.

Submissions (3):

Color Diagnostics, LLC DBA Color Health
Classification: Uncertain significance for Cardiomyopathy. Last evaluated: 2025-06-03. Review status: criteria provided, single submitter. Criteria: ACMG Guidelines, 2015. Collection method: clinical testing. Allele origin: germline.
Comment: This missense variant replaces arginine with lysine at codon 728 of the DSG2 protein. Computational prediction suggests that this variant may not impact protein structure and function. To our knowledge, functional studies have not been reported for this variant. This variant has not been reported in individuals affected with DSG2-related disorders in the literature. This variant has not been identified in the general population by the Genome Aggregation Database (gnomAD). The available evidence is insufficient to determine the role of this variant in disease conclusively. Therefore, this variant is classified as a Variant of Uncertain Significance.

Labcorp Genetics (formerly Invitae), Labcorp
Classification: Uncertain significance for Arrhythmogenic right ventricular dysplasia 10. Last evaluated: 2025-05-02. Review status: criteria provided, single submitter. Criteria: Invitae Variant Classification Sherloc (09022015). Collection method: clinical testing. Allele origin: germline.
Comment: This sequence change replaces arginine, which is basic and polar, with lysine, which is basic and polar, at codon 728 of the DSG2 protein (p.Arg728Lys). This variant is not present in population databases (gnomAD no frequency). This variant has not been reported in the literature in individuals affected with DSG2-related conditions. ClinVar contains an entry for this variant (Variation ID: 1787298). Invitae Evidence Modeling of protein sequence and biophysical properties (such as structural, functional, and spatial information, amino acid conservation, physicochemical variation, residue mobility, and thermodynamic stability) indicates that this missense variant is not expected to disrupt DSG2 protein function with a negative predictive value of 95%. In summary, the available evidence is currently insufficient to determine the role of this variant in disease. Therefore, it has been classified as a Variant of Uncertain Significance.

Ambry Genetics
Classification: Uncertain significance for Cardiovascular phenotype. Last evaluated: 2018-12-21. Review status: criteria provided, single submitter. Criteria: Ambry Variant Classification Scheme 2023. Collection method: clinical testing. Allele origin: germline.
Comment: The p.R728K variant (also known as c.2183G>A), located in coding exon 14 of the DSG2 gene, results from a G to A substitution at nucleotide position 2183. The arginine at codon 728 is replaced by lysine, an amino acid with highly similar properties. This amino acid position is poorly conserved in available vertebrate species. In addition, this alteration is predicted to be tolerated by in silico analysis. Since supporting evidence is limited at this time, the clinical significance of this alteration remains unclear.

NM_001943.5(DSG2):c.2183G>A (p.Arg728Lys)

Genes: DSG2-AS1 (DSG2 antisense RNA 1; minus strand), DSG2 (desmoglein 2; plus strand). Cytogenetic location: 18q12.1.
Variant type: single nucleotide variant.
Coding change: c.2183G>A on transcript NM_001943.5 (MANE Select); coding-DNA position 2183, G replaced by A.
Protein change: p.Arg728Lys; replaces arginine 728 with lysine.
Molecular consequence: missense variant.
Genome position (GRCh38, 1-based): chr18:31,542,701, G>A. VCF-style: chr18-31542701-G-A. GRCh37 (hg19) VCF-style: chr18-29122664-G-A.
Other names: short protein forms R728K.
Identifiers: ClinVar variation 1787298 (VCV001787298.3), dbSNP rs2144353351, ClinGen allele CA402142395.